The following is an entry in ClinVar:

NM_000018.4(ACADVL):c.1855G>A (p.Ala619Thr)

Gene: ACADVL (acyl-CoA dehydrogenase very long chain; plus strand). Cytogenetic location: 17p13.1.
Variant type: single nucleotide variant.
Coding change: c.1855G>A on transcript NM_000018.4 (MANE Select); coding-DNA position 1855, G replaced by A.
Protein change: p.Ala619Thr; replaces alanine 619 with threonine.
Molecular consequence: missense variant.
Genome position (GRCh38, 1-based): chr17:7,224,984, G>A. VCF-style: chr17-7224984-G-A. GRCh37 (hg19) VCF-style: chr17-7128303-G-A.
Other names: c.1789G>A, p.Ala597Thr (NM_001033859.3); c.1924G>A, p.Ala642Thr (NM_001270447.2); c.1627G>A, p.Ala543Thr (NM_001270448.2); short protein forms A642T, A597T, A543T, A619T.
Identifiers: ClinVar variation 1988310 (VCV001988310.1), dbSNP rs2508373536, ClinGen allele CA397726038.

ClinVar aggregate classification (germline): Uncertain significance (1 of 4 stars; one submission).

Conditions:
Very long chain acyl-CoA dehydrogenase deficiency (ACADVLD). Also called: Very Long-Chain Acyl-Coenzyme A Dehydrogenase Deficiency; VLCAD Deficiency. Identifiers: Orphanet 26793, MedGen C3887523, MONDO:0008723, OMIM 201475.

Submission:

Labcorp Genetics (formerly Invitae), Labcorp
Classification: Uncertain significance for Very long chain acyl-CoA dehydrogenase deficiency. Last evaluated: 2022-04-08. Review status: criteria provided, single submitter. Criteria: Invitae Variant Classification Sherloc (09022015). Collection method: clinical testing. Allele origin: germline.
Comment: This sequence change replaces alanine, which is neutral and non-polar, with threonine, which is neutral and polar, at codon 619 of the ACADVL protein (p.Ala619Thr). This variant is not present in population databases (gnomAD no frequency). This variant has not been reported in the literature in individuals affected with ACADVL-related conditions. Algorithms developed to predict the effect of missense changes on protein structure and function output the following: SIFT: "Tolerated"; PolyPhen-2: "Benign"; Align-GVGD: "Class C0". The threonine amino acid residue is found in multiple mammalian species, which suggests that this missense change does not adversely affect protein function. In summary, the available evidence is currently insufficient to determine the role of this variant in disease. Therefore, it has been classified as a Variant of Uncertain Significance.